The following is an entry in ClinVar:

ClinVar aggregate classification (germline): Benign (1 of 4 stars; one submission).

Allele frequency attached by ClinVar (database versions not stated): gnomAD exomes 0.01458; gnomAD 0.05492 and 0.05816; 1000 Genomes Project 0.06070; TOPMed 0.06134; 1000 Genomes Project 30x 0.06433.

Submission:

GeneDx
Classification: Benign. Last evaluated: 2018-06-14. Review status: criteria provided, single submitter. Criteria: GeneDx Variant Classification (06012015). Collection method: clinical testing. Allele origin: germline. Affected: yes.
Comment: This variant is considered likely benign or benign based on one or more of the following criteria: it is a conservative change, it occurs at a poorly conserved position in the protein, it is predicted to be benign by multiple in silico algorithms, and/or has population frequency not consistent with disease.

NM_030962.4(SBF2):c.5319+113del

Genes: SBF2 (SET binding factor 2; minus strand), SBF2-AS1 (SBF2 antisense RNA 1; plus strand), LOC105369149 (uncharacterized LOC105369149; plus strand). Cytogenetic location: 11p15.4.
Variant type: Deletion.
Coding change: c.5319+113del on transcript NM_030962.4 (MANE Select); 113 bases into the intron after coding-DNA position 5319, one base deleted (G; older notation c.5319+113delG).
Molecular consequence: intron variant.
Genome position (GRCh38, 1-based): chr11:9,784,238, C deleted on the plus strand (G on the coding strand, the reverse complement: SBF2 is on the minus strand). VCF-style (leftmost placement, unchanged base first): chr11-9784237-AC-A. GRCh37 (hg19) VCF-style: chr11-9805784-AC-A.
Other names: c.5190+113del (NM_001386342.1); c.5415+113del (NM_001386339.1); c.5319+113delG (NM_030962.3).
Identifiers: ClinVar variation 677064 (VCV000677064.1), dbSNP rs10709701, ClinGen allele CA217605334.